The following is an entry in ClinVar:

ClinVar aggregate classification (germline): Pathogenic (1 of 4 stars; one submission).

Conditions:
Frontotemporal dementia and/or amyotrophic lateral sclerosis 4. Also called: FTDALS4. Identifiers: Orphanet 275872, MedGen C4225325, MONDO:0014641, OMIM 616439.

Submission:

Labcorp Genetics (formerly Invitae), Labcorp
Classification: Pathogenic for Frontotemporal dementia and/or amyotrophic lateral sclerosis 4. Last evaluated: 2024-07-22. Review status: criteria provided, single submitter. Criteria: Invitae Variant Classification Sherloc (09022015). Collection method: clinical testing. Allele origin: germline.
Comment: This sequence change creates a premature translational stop signal (p.Gln2*) in the TBK1 gene. It is expected to result in an absent or disrupted protein product. Loss-of-function variants in TBK1 are known to be pathogenic (PMID: 25803835, 26476236, 26581300). This variant is not present in population databases (gnomAD no frequency). This premature translational stop signal has been observed in individual(s) with amyotrophic lateral sclerosis (PMID: 30033073, 31498468). ClinVar contains an entry for this variant (Variation ID: 2137385). Algorithms developed to predict the effect of sequence changes on RNA splicing suggest that this variant may disrupt the consensus splice site. For these reasons, this variant has been classified as Pathogenic.

Literature cited by the submitters: PubMed 25803835; PubMed 26476236; PubMed 26581300; PubMed 30033073; PubMed 31498468.

NM_013254.4(TBK1):c.4C>T (p.Gln2Ter)

Gene: TBK1 (TANK binding kinase 1; plus strand). Cytogenetic location: 12q14.2.
Variant type: single nucleotide variant.
Coding change: c.4C>T on transcript NM_013254.4 (MANE Select); coding-DNA position 4, C replaced by T.
Protein change: p.Gln2Ter; replaces glutamine 2 with a stop codon.
Molecular consequence: nonsense.
Genome position (GRCh38, 1-based): chr12:64,455,874, C>T. VCF-style: chr12-64455874-C-T. GRCh37 (hg19) VCF-style: chr12-64849654-C-T.
Other names: short protein forms Q2*.
Identifiers: ClinVar variation 2137385 (VCV002137385.4), dbSNP rs1555201919, ClinGen allele CA385592734.